The following is an entry in ClinVar:

ClinVar aggregate classification (germline): Uncertain significance (1 of 4 stars; one submission).

Conditions:
Hereditary cancer-predisposing syndrome. Also called: Hereditary Cancer Syndrome; Hereditary neoplastic syndrome; Neoplastic Syndromes, Hereditary; Tumor predisposition. Identifiers: Orphanet 140162, MedGen C0027672, MeSH D009386, MONDO:0015356.

Submission:

Ambry Genetics
Classification: Uncertain significance for Hereditary cancer-predisposing syndrome. Last evaluated: 2026-07-30. Review status: criteria provided, single submitter. Criteria: Ambry Variant Classification Scheme 2023. Collection method: clinical testing. Allele origin: germline.
Comment: The p.A793E variant (also known as c.2378C>A), located in coding exon 15 of the PTCH1 gene, results from a C to A substitution at nucleotide position 2378. The alanine at codon 793 is replaced by glutamic acid, an amino acid with dissimilar properties. This amino acid position is highly conserved in available vertebrate species. In addition, this alteration is predicted to be deleterious by in silico analysis. Based on the available evidence, the clinical significance of this variant remains unclear.

NM_000264.5(PTCH1):c.2378C>A (p.Ala793Glu)

Genes: PTCH1 (patched 1; minus strand), LOC100507346 (uncharacterized LOC100507346; plus strand). Cytogenetic location: 9q22.32.
Variant type: single nucleotide variant.
Coding change: c.2378C>A on transcript NM_000264.5 (MANE Select); coding-DNA position 2378, C replaced by A.
Protein change: p.Ala793Glu; replaces alanine 793 with glutamic acid.
Molecular consequence: missense variant.
Genome position (GRCh38, 1-based): chr9:95,467,298, G>T on the plus strand (C>A on the coding strand, the complement: PTCH1 is on the minus strand). VCF-style: chr9-95467298-G-T. GRCh37 (hg19) VCF-style: chr9-98229580-G-T.
Other names: c.2180C>A, p.Ala727Glu (NM_001083602.3); c.2375C>A, p.Ala792Glu (NM_001083603.3); c.1925C>A, p.Ala642Glu (NM_001083604.3, NM_001083605.3, NM_001083606.3 and 1 more transcripts); c.2222C>A, p.Ala741Glu (NM_001354918.2); short protein forms A642E, A793E, A727E, A741E, A792E.
Identifiers: ClinVar variation 2449689 (VCV002449689.3), dbSNP rs2538132066, ClinGen allele CA374114426.